The following is an entry in ClinVar:

NC_000009.11:g.(?_6550783)_(6645499_?)dup

Gene: GLDC (glycine decarboxylase; minus strand). Cytogenetic location: 9p24.1.
Variant type: Duplication.
Identifiers: ClinVar variation 2422523 (VCV002422523.6).

ClinVar aggregate classification (germline): Uncertain significance (1 of 4 stars; one submission).

Conditions:
Glycine encephalopathy. Also called: Nonketotic hyperglycinemia; Non-ketotic hyperglycinemia. Identifiers: Orphanet 407, MedGen C0751748, MONDO:0011612, HP:0008288.

Submission:

Labcorp Genetics (formerly Invitae), Labcorp
Classification: Uncertain significance for Glycine encephalopathy. Last evaluated: 2022-01-14. Review status: criteria provided, single submitter. Criteria: Invitae Variant Classification Sherloc (09022015). Collection method: clinical testing. Allele origin: germline.
Comment: This variant results in a copy number gain of the genomic region encompassing exon(s) 1-21 of the GLDC gene. This region includes the initiator codon of the gene. This copy number gain extends beyond the assayed region for this gene and therefore may encompass additional genes. As the precise location of this event is unknown, it may be in tandem or it may be located elsewhere in the genome. This variant has not been reported in the literature in individuals affected with GLDC-related conditions. Experimental studies and prediction algorithms are not available or were not evaluated, and the functional significance of this variant is currently unknown. In summary, the available evidence is currently insufficient to determine the role of this variant in disease. Therefore, it has been classified as a Variant of Uncertain Significance.